The following is an entry in ClinVar:

ClinVar aggregate classification (germline): Uncertain significance (1 of 4 stars; one submission).

Submission:

CeGaT Center for Human Genetics Tuebingen
Classification: Uncertain significance. Last evaluated: 2025-08-01. Review status: criteria provided, single submitter. Criteria: CeGaT Center For Human Genetics Tuebingen Variant Classification Criteria Version 2. Collection method: clinical testing. Allele origin: germline. Affected: yes. Observed: 1 variant allele.
Comment: ADAMTS9: PM2:Supporting, BP4

NM_182920.2(ADAMTS9):c.4767G>A (p.Glu1589=)

Gene: ADAMTS9 (ADAM metallopeptidase with thrombospondin type 1 motif 9; minus strand). Cytogenetic location: 3p14.1.
Variant type: single nucleotide variant.
Coding change: c.4767G>A on transcript NM_182920.2 (MANE Select); coding-DNA position 4767, G replaced by A.
Protein change: p.Glu1589=; no amino-acid change (glutamic acid 1589 retained).
Molecular consequence: synonymous variant.
Genome position (GRCh38, 1-based): chr3:64,550,994, C>T on the plus strand (G>A on the coding strand, the complement: ADAMTS9 is on the minus strand). VCF-style: chr3-64550994-C-T. GRCh37 (hg19) VCF-style: chr3-64536670-C-T.
Other names: c.4683G>A, p.Glu1561= (NM_001318781.2).
Identifiers: ClinVar variation 4085949 (VCV004085949.8).